The following is an entry in ClinVar:

ClinVar aggregate classification (germline): Conflicting classifications of pathogenicity. Review status: criteria provided, conflicting classifications (1 of 4 stars). 5 submissions from 5 submitters: Uncertain significance (3); Likely benign (2). Last evaluated 2024-11-21.

Conditions:
Arrhythmogenic right ventricular dysplasia 10. Also called: Arrhythmogenic Right Ventricular Dysplasia/Cardiomyopathy10; Arrhythmogenic right ventricular dysplasia/cardiomyopathy, type 10; ARRHYTHMOGENIC RIGHT VENTRICULAR DYSPLASIA, FAMILIAL, 10. Identifiers: MedGen C1857777, MONDO:0012434, OMIM 610193.
Cardiovascular phenotype. Identifiers: MedGen CN230736.
Left ventricular noncompaction cardiomyopathy. Also called: left ventricular non-compaction cardiomyopathy. Identifiers: MedGen C4021133, HP:0011664.
Cardiomyopathy (CMYO). Also called: Cardiomyopathies. Identifiers: Orphanet 167848, MedGen C0878544, MONDO:0004994, HP:0001638. Inheritance: Various modes of inheritance.

Allele frequency attached by ClinVar (database versions not stated): gnomAD exomes 0.00001; ExAC 0.00002.
gnomAD v4.1: 15 of 1,613,870 alleles (0.00093%); highest among the groups gnomAD compares: Non-Finnish European, 0.0011%; no homozygotes.

Submissions (5):

Labcorp Genetics (formerly Invitae), Labcorp
Classification: Uncertain significance for Arrhythmogenic right ventricular dysplasia 10. Last evaluated: 2024-11-21. Review status: criteria provided, single submitter. Criteria: Invitae Variant Classification Sherloc (09022015). Collection method: clinical testing. Allele origin: germline.
Comment: This sequence change falls in intron 13 of the DSG2 gene. It does not directly change the encoded amino acid sequence of the DSG2 protein. It affects a nucleotide within the consensus splice site. This variant is present in population databases (rs746471051, gnomAD 0.002%). This variant has been observed in individual(s) with DSG2-related conditions (PMID: 31568572). ClinVar contains an entry for this variant (Variation ID: 691818). Variants that disrupt the consensus splice site are a relatively common cause of aberrant splicing (PMID: 17576681, 9536098). Algorithms developed to predict the effect of sequence changes on RNA splicing suggest that this variant is not likely to affect RNA splicing. In summary, the available evidence is currently insufficient to determine the role of this variant in disease. Therefore, it has been classified as a Variant of Uncertain Significance.

Ambry Genetics
Classification: Uncertain significance for Cardiovascular phenotype. Last evaluated: 2024-11-20. Review status: criteria provided, single submitter. Criteria: Ambry Variant Classification Scheme 2023. Collection method: clinical testing. Allele origin: germline.
Comment: The c.2001+3C>G intronic variant results from a C to G substitution 3 nucleotides after coding exon 13 in the DSG2 gene. This nucleotide position is well conserved in available vertebrate species. In silico splice site analysis predicts that this alteration will not have any significant effect on splicing. Based on the available evidence, the clinical significance of this variant remains unclear.

Blueprint Genetics
Classification: Likely benign. Last evaluated: 2023-05-19. Review status: criteria provided, single submitter. Criteria: ACMG Guidelines, 2015. Collection method: clinical testing. Allele origin: germline.

Klaassen Lab, Charite University Medicine Berlin
Classification: Uncertain significance for Left ventricular noncompaction cardiomyopathy. Last evaluated: 2019-07-03. Review status: criteria provided, single submitter. Criteria: ACMG Guidelines, 2015. Collection method: research. Allele origin: germline. Affected: yes.

Color Diagnostics, LLC DBA Color Health
Classification: Likely benign for Cardiomyopathy. Last evaluated: 2019-06-04. Review status: criteria provided, single submitter. Criteria: ACMG Guidelines, 2015. Collection method: clinical testing. Allele origin: germline.

Literature cited by the submitters: PubMed 31568572 (cited by 3 submitters); PubMed 17576681 (cited by Labcorp Genetics (formerly Invitae), Labcorp); PubMed 9536098 (cited by Labcorp Genetics (formerly Invitae), Labcorp); PubMed 31333075 (cited by Klaassen Lab, Charite University Medicine Berlin).

NM_001943.5(DSG2):c.2001+3C>G

Gene: DSG2 (desmoglein 2; plus strand). Cytogenetic location: 18q12.1.
Variant type: single nucleotide variant.
Coding change: c.2001+3C>G on transcript NM_001943.5 (MANE Select); 3 bases into the intron after coding-DNA position 2001, C replaced by G.
Molecular consequence: intron variant.
Genome position (GRCh38, 1-based): chr18:31,541,317, C>G. VCF-style: chr18-31541317-C-G. GRCh37 (hg19) VCF-style: chr18-29121280-C-G.
Identifiers: ClinVar variation 691818 (VCV000691818.10), dbSNP rs746471051, ClinGen allele CA044562.